The following is an entry in ClinVar:

NM_005591.4(MRE11):c.784del (p.Tyr262fs)

Gene: MRE11 (MRE11 double strand break repair nuclease; minus strand). Cytogenetic location: 11q21.
Variant type: Deletion.
Coding change: c.784del on transcript NM_005591.4 (MANE Select); coding-DNA position 784, one base deleted (T; older notation c.784delT).
Protein change: p.Tyr262fs; shifts the reading frame from tyrosine 262.
Molecular consequence: frameshift variant.
Genome position (GRCh38, 1-based): chr11:94,471,635, A deleted on the plus strand (T on the coding strand, the reverse complement: MRE11 is on the minus strand); the first of 4 consecutive A bases (chr11:94,471,635-94,471,638); deleting any one gives the same sequence. VCF-style (leftmost placement, unchanged base first): chr11-94471634-TA-T. GRCh37 (hg19) VCF-style: chr11-94204800-TA-T.
Other names: c.784del, p.Tyr262fs (NM_001330347.2, NM_005590.4); c.784delT (NM_005591.3); short protein forms Y262fs.
Identifiers: ClinVar variation 2451357 (VCV002451357.15), dbSNP rs2496495153, ClinGen allele CA2580085072.

ClinVar aggregate classification (germline): Pathogenic/Likely pathogenic. Review status: criteria provided, multiple submitters, no conflicts (2 of 4 stars). 5 submissions from 5 submitters: Pathogenic (3); Likely pathogenic (2). Last evaluated 2025-08-01.

Conditions:
Ataxia-telangiectasia-like disorder (ATLD). Identifiers: MedGen C1858391, MONDO:0011457.
Hereditary cancer-predisposing syndrome. Also called: Neoplastic Syndromes, Hereditary; Tumor predisposition; Hereditary Cancer Syndrome; Hereditary neoplastic syndrome. Identifiers: Orphanet 140162, MedGen C0027672, MeSH D009386, MONDO:0015356.
Ataxia-telangiectasia-like disorder 1 (ATLD1). Identifiers: Orphanet 251347, MedGen C4012790, MONDO:0024557, OMIM 604391.

Submissions (5):

CeGaT Center for Human Genetics Tuebingen
Classification: Pathogenic. Last evaluated: 2025-08-01. Review status: criteria provided, single submitter. Criteria: CeGaT Center For Human Genetics Tuebingen Variant Classification Criteria Version 2. Collection method: clinical testing. Allele origin: germline. Affected: yes. Observed: 1 variant allele.
Comment: MRE11: PVS1, PM2

Labcorp Genetics (formerly Invitae), Labcorp
Classification: Pathogenic for Ataxia-telangiectasia-like disorder. Last evaluated: 2023-06-03. Review status: criteria provided, single submitter. Criteria: Invitae Variant Classification Sherloc (09022015). Collection method: clinical testing. Allele origin: germline.
Comment: For these reasons, this variant has been classified as Pathogenic. ClinVar contains an entry for this variant (Variation ID: 2451357). This variant has not been reported in the literature in individuals affected with MRE11-related conditions. This variant is not present in population databases (gnomAD no frequency). This sequence change creates a premature translational stop signal (p.Tyr262Ilefs*19) in the MRE11 gene. It is expected to result in an absent or disrupted protein product. Loss-of-function variants in MRE11 are known to be pathogenic (PMID: 23080121, 23912341).

Ambry Genetics
Classification: Pathogenic for Hereditary cancer-predisposing syndrome. Last evaluated: 2022-12-15. Review status: criteria provided, single submitter. Criteria: Ambry Variant Classification Scheme 2023. Collection method: clinical testing. Allele origin: germline.
Comment: The c.784delT pathogenic mutation, located in coding exon 7 of the MRE11A gene, results from a deletion of one nucleotide at nucleotide position 784, causing a translational frameshift with a predicted alternate stop codon (p.Y262Ifs*19). This alteration is expected to result in loss of function by premature protein truncation or nonsense-mediated mRNA decay. As such, this alteration is interpreted as a disease-causing mutation.

Baylor Genetics
Classification: Likely pathogenic for Ataxia-telangiectasia-like disorder 1. Last evaluated: 2022-08-30. Review status: criteria provided, single submitter. Criteria: ACMG Guidelines, 2015. Collection method: clinical testing. Allele origin: unknown.

Genesis Genomics
Classification: Likely pathogenic for Ataxia-telangiectasia-like disorder 1. Review status: criteria provided, single submitter. Criteria: ACMG Guidelines, 2015. Collection method: clinical testing. Allele origin: germline. Affected: yes. Observed: 1 variant allele.

Literature cited by the submitters: PubMed 23080121 (cited by Labcorp Genetics (formerly Invitae), Labcorp); PubMed 23912341 (cited by Labcorp Genetics (formerly Invitae), Labcorp).